The following is an entry in ClinVar:

ClinVar aggregate classification (germline): Uncertain significance. Review status: criteria provided, multiple submitters, no conflicts (2 of 4 stars). 2 submissions from 2 submitters: Uncertain significance (2). Last evaluated 2025-10-05.

Conditions:
Renal tubular dysgenesis of genetic origin. Also called: PRIMITIVE RENAL TUBULE SYNDROME. Identifiers: Orphanet 97369, MedGen C5681536, MONDO:0009970, OMIM 267430.
Familial juvenile hyperuricemic nephropathy type 2 (ADTKD4). Also called: Autosomal Dominant Tubulointerstitial Kidney Disease – REN; EARLY-ONSET HYPERURICEMIA, ANEMIA, AND PROGRESSIVE KIDNEY FAILURE. Identifiers: Orphanet 217330, MedGen C2751310, MONDO:0013128, OMIM 613092.

gnomAD v4.1: 9 of 1,614,046 alleles (0.00056%); highest among the groups gnomAD compares: South Asian, 0.0033%; no homozygotes.

Submissions (2):

Labcorp Genetics (formerly Invitae), Labcorp
Classification: Uncertain significance. Last evaluated: 2025-10-05. Review status: criteria provided, single submitter. Criteria: Invitae Variant Classification Sherloc (09022015). Collection method: clinical testing. Allele origin: germline.
Comment: This sequence change replaces isoleucine, which is neutral and non-polar, with threonine, which is neutral and polar, at codon 199 of the REN protein (p.Ile199Thr). This variant is present in population databases (rs754808366, gnomAD 0.004%). This variant has not been reported in the literature in individuals affected with REN-related conditions. ClinVar contains an entry for this variant (Variation ID: 3578043). Invitae Evidence Modeling of protein sequence and biophysical properties (such as structural, functional, and spatial information, amino acid conservation, physicochemical variation, residue mobility, and thermodynamic stability) indicates that this missense variant is not expected to disrupt REN protein function with a negative predictive value of 80%. In summary, the available evidence is currently insufficient to determine the role of this variant in disease. Therefore, it has been classified as a Variant of Uncertain Significance.

Fulgent Genetics
Classification: Uncertain significance for Renal tubular dysgenesis of genetic origin; Familial juvenile hyperuricemic nephropathy type 2. Last evaluated: 2024-05-14. Review status: criteria provided, single submitter. Criteria: ACMG Guidelines, 2015. Collection method: clinical testing. Allele origin: germline.

NM_000537.4(REN):c.596T>C (p.Ile199Thr)

Gene: REN (renin; minus strand). Cytogenetic location: 1q32.1.
Variant type: single nucleotide variant.
Coding change: c.596T>C on transcript NM_000537.4 (MANE Select); coding-DNA position 596, T replaced by C.
Protein change: p.Ile199Thr; replaces isoleucine 199 with threonine.
Molecular consequence: missense variant.
Genome position (GRCh38, 1-based): chr1:204,159,492, A>G on the plus strand (T>C on the coding strand, the complement: REN is on the minus strand). VCF-style: chr1-204159492-A-G. GRCh37 (hg19) VCF-style: chr1-204128620-A-G.
Other names: short protein forms I199T.
Identifiers: ClinVar variation 3578043 (VCV003578043.2).